The following is an entry in ClinVar:

ClinVar aggregate classification (germline): Likely pathogenic (1 of 4 stars; one submission).

Conditions:
Pilarowski-Bjornsson syndrome. Also called: DEVELOPMENTAL DELAY AND SPEECH APRAXIA WITH OR WITHOUT SEIZURES. Identifiers: Orphanet 529965, MedGen C4540131, MONDO:0060568, OMIM 617682.

Submission:

Victorian Clinical Genetics Services, Murdoch Childrens Research Institute
Classification: Likely pathogenic for Pilarowski-Bjornsson syndrome. Last evaluated: 2026-01-08. Review status: criteria provided, single submitter. Criteria: ACMG Guidelines, 2015. Collection method: clinical testing. Allele origin: germline. Affected: yes.
Comment: This variant is classified as Likely pathogenic. Evidence in support of pathogenic classification: Variant is predicted to cause nonsense-mediated decay (NMD) and loss of protein (premature termination codon is located at least 54 nucleotides upstream of the final exon-exon junction); Variant is absent from gnomAD (v2, v3 and v4); Other NMD-predicted variants comparable to the one identified in this case have strong previous evidence for pathogenicity. Multiple NMD-predicted variants have been reported in affected individuals, most of the variants were shown to be de novo but several were inherited with no phenotype information available for the parents (PMID: 40385454); Additional information: This variant is heterozygous; This gene is associated with autosomal dominant disease; This variant has no previous evidence of pathogenicity; No published evidence of segregation with disease has been identified for this variant; No published functional evidence has been identified for this variant; Loss of function is a likely mechanism of disease in this gene and is associated with Pilarowski-Bjornsson syndrome (MIM#617682); Variants in this gene are known to have variable expressivity. Phenotype is highly variable (OMIM, PMID: 28866611).

Literature cited by the submitters: PubMed 40385454; PubMed 28866611.

NM_001270.4(CHD1):c.1101del (p.Pro368fs)

Gene: CHD1 (chromodomain helicase DNA binding protein 1; minus strand). Cytogenetic location: 5q15.
Variant type: Deletion.
Coding change: c.1101del on transcript NM_001270.4 (MANE Select); coding-DNA position 1101, one base deleted (T; older notation c.1101delT).
Protein change: p.Pro368fs; shifts the reading frame from proline 368.
Molecular consequence: frameshift variant. On other transcripts: non-coding transcript variant (2).
Genome position (GRCh38, 1-based): chr5:98,898,749, A deleted on the plus strand (T on the coding strand, the reverse complement: CHD1 is on the minus strand). VCF-style (leftmost placement, unchanged base first): chr5-98898748-GA-G. GRCh37 (hg19) VCF-style: chr5-98234452-GA-G.
Other names: c.1101del, p.Pro368fs (NM_001364113.3, NM_001376194.2); short protein forms P368fs.
Identifiers: ClinVar variation 4819013 (VCV004819013.1).
Genomic context (GRCh38, chr5:98,898,748, plus strand): 5'-ACTGTTTATGTAGATCATCTGTAAGTTCTTGCTGGCAATTATAATATTCCACATCTTCTG[GA>G]GAGGCATTTTTCAACCTGAAAAATTATTAATCCAGGAATAGACTTAAAAATCTCCCATAA-3'